The following is an entry in ClinVar:

ClinVar aggregate classification (germline): Uncertain significance (1 of 4 stars; one submission).

Submission:

GeneDx
Classification: Uncertain significance. Last evaluated: 2017-11-09. Review status: criteria provided, single submitter. Criteria: GeneDx Variant Classification (06012015). Collection method: clinical testing. Allele origin: germline. Affected: yes.
Comment: The c.2001+3A>G variant in the ATP2B2 gene has not been reported previously as a pathogenic variant nor as a benign variant, to our knowledge. This variant reduces the quality of the splice donor site in intron 11, and may cause abnormal gene splicing. However, in the absence of RNA/functional studies, the actual effect of the c.2001+3A>G variant is unknown. The c.2001+3A>G variant is not observed in large population cohorts (Lek et al., 2016). We interpret c.2001+3A>G as a variant of uncertain significance.

NM_001001331.4(ATP2B2):c.2136+3A>G

Gene: ATP2B2 (ATPase plasma membrane Ca2+ transporting 2; minus strand). Cytogenetic location: 3p25.3.
Variant type: single nucleotide variant.
Coding change: c.2136+3A>G on transcript NM_001001331.4 (MANE Select); 3 bases into the intron after coding-DNA position 2136, A replaced by G.
Molecular consequence: intron variant.
Genome position (GRCh38, 1-based): chr3:10,358,688, T>C on the plus strand (A>G on the coding strand, the complement: ATP2B2 is on the minus strand). VCF-style: chr3-10358688-T-C. GRCh37 (hg19) VCF-style: chr3-10400372-T-C.
Other names: c.2001+3A>G (NM_001353564.1, NM_001683.5, NM_001330611.3 and 1 more transcripts).
Identifiers: ClinVar variation 489092 (VCV000489092.2), dbSNP rs1553652884, ClinGen allele CA658683299.
Genomic context (GRCh38, chr3:10,358,688, plus strand): 5'-ACCCTGGTGGCTGGCCTCCCAGCCTCATCCCCTTTCCCTGAGCTCGCTGGCCCTGGGGCC[T>C]ACCTCTGGCCGCACCGGGTCCTCGATGCCCACCACGCAGATGCAGGTGAGTTCGTTGAGG-3'